The following is an entry in ClinVar:

ClinVar aggregate classification (germline): Uncertain significance. Review status: criteria provided, multiple submitters, no conflicts (2 of 4 stars). 2 submissions from 2 submitters: Uncertain significance (2). Last evaluated 2025-12-15.

Conditions:
Inborn genetic diseases. Identifiers: MedGen C0950123, MeSH D030342.

Allele frequency attached by ClinVar (database versions not stated): gnomAD exomes 0.00001; ExAC 0.00002; gnomAD 0.00002; TOPMed 0.00003; ESP Exome Variant Server 0.00008.
gnomAD v4.1: 12 of 1,614,022 alleles (0.00074%); highest among the groups gnomAD compares: African/African-American, 0.011%; no homozygotes.

Submissions (2):

Labcorp Genetics (formerly Invitae), Labcorp
Classification: Uncertain significance. Last evaluated: 2025-12-15. Review status: criteria provided, single submitter. Criteria: Invitae Variant Classification Sherloc (09022015). Collection method: clinical testing. Allele origin: germline.
Comment: This sequence change replaces arginine, which is basic and polar, with cysteine, which is neutral and slightly polar, at codon 524 of the CACNA1D protein (p.Arg524Cys). This variant is present in population databases (rs143078083, gnomAD 0.03%). This variant has not been reported in the literature in individuals affected with CACNA1D-related conditions. ClinVar contains an entry for this variant (Variation ID: 1941381). Invitae Evidence Modeling of protein sequence and biophysical properties (such as structural, functional, and spatial information, amino acid conservation, physicochemical variation, residue mobility, and thermodynamic stability) indicates that this missense variant is not expected to disrupt CACNA1D protein function with a negative predictive value of 80%. In summary, the available evidence is currently insufficient to determine the role of this variant in disease. Therefore, it has been classified as a Variant of Uncertain Significance.

Ambry Genetics
Classification: Uncertain significance for Inborn genetic diseases. Last evaluated: 2025-06-10. Review status: criteria provided, single submitter. Criteria: Ambry Variant Classification Scheme 2023. Collection method: clinical testing. Allele origin: germline.

NM_001128840.3(CACNA1D):c.1510C>T (p.Arg504Cys)

Gene: CACNA1D (calcium voltage-gated channel subunit alpha1 D; plus strand). Cytogenetic location: 3p21.1.
Variant type: single nucleotide variant.
Coding change: c.1510C>T on transcript NM_001128840.3 (MANE Select); coding-DNA position 1510, C replaced by T.
Protein change: p.Arg504Cys; replaces arginine 504 with cysteine.
Molecular consequence: missense variant.
Genome position (GRCh38, 1-based): chr3:53,722,318, C>T. VCF-style: chr3-53722318-C-T. GRCh37 (hg19) VCF-style: chr3-53756345-C-T.
Other names: c.1570C>T, p.Arg524Cys (NM_000720.4); c.1510C>T, p.Arg504Cys (NM_001128839.3); c.1570C>T (NM_000720.2); short protein forms R504C, R524C.
Identifiers: ClinVar variation 1941381 (VCV001941381.6), dbSNP rs143078083, ClinGen allele CA2454022.